The following is an entry in ClinVar:

NM_004586.3(RPS6KA3):c.1959+2del

Gene: RPS6KA3 (ribosomal protein S6 kinase A3; minus strand). Cytogenetic location: Xp22.12.
Variant type: Deletion.
Coding change: c.1959+2del on transcript NM_004586.3 (MANE Select); the canonical splice donor site of the intron after coding-DNA position 1959, one base deleted (T; older notation c.1959+2delT).
Molecular consequence: splice donor variant.
Genome position (GRCh38, 1-based): chrX:20,161,642, A deleted on the plus strand (T on the coding strand, the reverse complement: RPS6KA3 is on the minus strand). VCF-style (leftmost placement, unchanged base first): chrX-20161641-TA-T. GRCh37 (hg19) VCF-style: chrX-20179759-TA-T.
Identifiers: ClinVar variation 422804 (VCV000422804.2), dbSNP rs1064796008, ClinGen allele CA16621293.
Genomic context (GRCh38, chrX:20,161,641, plus strand): 5'-CTTCTCACTATGGATCATAAAAAGTTATTTTCTCAAAATCTTATAATAGGAAGTGATACT[TA>T]CCTTTGCTGTGTCTGAAACAGAATTCCAGTAACCACCACTGAGTGAGAATTTTCCGCTAC-3'

ClinVar aggregate classification (germline): Pathogenic (1 of 4 stars; one submission).

Submission:

GeneDx
Classification: Pathogenic. Last evaluated: 2016-12-21. Review status: criteria provided, single submitter. Criteria: GeneDx Variant Classification (06012015). Collection method: clinical testing. Allele origin: germline. Affected: yes.
Comment: The c.1959+2delT variant in the RPS6KA3 gene has not been reported previously as a pathogenicvariant nor as a benign variant, to our knowledge. This splice site variant destroys the canonical splicedonor site in intron 20. It is predicted to cause abnormal gene splicing, either leading to an abnormalmessage that is subject to nonsense-mediated mRNA decay, or to an abnormal protein product if themessage is used for protein translation. The c.1959+2delT variant was not observed in approximately6500 individuals of European and African American ancestry in the NHLBI Exome SequencingProject, indicating it is not a common benign variant in these populations. We interpret c.1959+2delTas a pathogenic variant.